The following is an entry in ClinVar:

ClinVar aggregate classification (germline): Uncertain significance (1 of 4 stars; one submission).

Conditions:
Hereditary cancer-predisposing syndrome. Also called: Neoplastic Syndromes, Hereditary; Tumor predisposition; Hereditary Cancer Syndrome; Hereditary neoplastic syndrome. Identifiers: Orphanet 140162, MedGen C0027672, MeSH D009386, MONDO:0015356.

Submission:

Ambry Genetics
Classification: Uncertain significance for Hereditary cancer-predisposing syndrome. Last evaluated: 2026-03-20. Review status: criteria provided, single submitter. Criteria: Ambry Variant Classification Scheme 2023. Collection method: clinical testing. Allele origin: germline.
Comment: The p.D819N variant (also known as c.2455G>A), located in coding exon 16 of the CDH1 gene, results from a G to A substitution at nucleotide position 2455. The aspartic acid at codon 819 is replaced by asparagine, an amino acid with highly similar properties. This amino acid position is highly conserved in available vertebrate species. In addition, this alteration is predicted to be tolerated by in silico analysis. Based on the available evidence, the clinical significance of this variant remains unclear.

NM_004360.5(CDH1):c.2455G>A (p.Asp819Asn)

Gene: CDH1 (cadherin 1; plus strand). Cytogenetic location: 16q22.1.
Variant type: single nucleotide variant.
Coding change: c.2455G>A on transcript NM_004360.5 (MANE Select); coding-DNA position 2455, G replaced by A.
Protein change: p.Asp819Asn; replaces aspartic acid 819 with asparagine.
Molecular consequence: missense variant.
Genome position (GRCh38, 1-based): chr16:68,833,305, G>A. VCF-style: chr16-68833305-G-A. GRCh37 (hg19) VCF-style: chr16-68867208-G-A.
Other names: c.2272G>A, p.Asp758Asn (NM_001317184.2); c.907G>A, p.Asp303Asn (NM_001317185.2); c.490G>A, p.Asp164Asn (NM_001317186.2); short protein forms D164N, D303N, D758N, D819N.
Identifiers: ClinVar variation 4868391 (VCV004868391.1).